The following is an entry in ClinVar:

NM_138425.4(C12orf57):c.154C>T (p.Gln52Ter)

Gene: C12orf57 (chromosome 12 open reading frame 57; plus strand). Cytogenetic location: 12p13.31.
Variant type: single nucleotide variant.
Coding change: c.154C>T on transcript NM_138425.4 (MANE Select); coding-DNA position 154, C replaced by T.
Protein change: p.Gln52Ter; replaces glutamine 52 with a stop codon.
Molecular consequence: nonsense. On other transcripts: intron variant (1).
Genome position (GRCh38, 1-based): chr12:6,944,577, C>T. VCF-style: chr12-6944577-C-T. GRCh37 (hg19) VCF-style: chr12-7053740-C-T.
Other names: c.154C>T, p.Gln52Ter (NM_001301834.1); c.115C>T, p.Gln39Ter (NM_001301836.2); c.49C>T, p.Gln17Ter (NM_001301838.2); c.142+12C>T (NM_001301837.2); short protein forms Q52*, Q17*, Q39*.
Identifiers: ClinVar variation 2161002 (VCV002161002.4), dbSNP rs1555146046, ClinGen allele CA383744598.

ClinVar aggregate classification (germline): Pathogenic (1 of 4 stars; one submission).

Conditions:
Temtamy syndrome (TEMTYS). Also called: MENTAL RETARDATION WITH OR WITHOUT CRANIOFACIAL DYSMORPHISM, OCULAR COLOBOMA, OR ABNORMAL CORPUS CALLOSUM. Identifiers: Orphanet 1777, MedGen C1857512, MONDO:0009033, OMIM 218340.

Allele frequency attached by ClinVar (database versions not stated): gnomAD exomes below 0.00001; gnomAD 0.00001.
gnomAD v4.1: 2 of 1,614,040 alleles (0.00012%); highest among the groups gnomAD compares: Non-Finnish European, 0.00017%; no homozygotes.

Submission:

Labcorp Genetics (formerly Invitae), Labcorp
Classification: Pathogenic for Temtamy syndrome. Last evaluated: 2025-07-29. Review status: criteria provided, single submitter. Criteria: Invitae Variant Classification Sherloc (09022015). Collection method: clinical testing. Allele origin: germline.
Comment: This sequence change creates a premature translational stop signal (p.Gln52*) in the C12orf57 gene. It is expected to result in an absent or disrupted protein product. Loss-of-function variants in C12orf57 are known to be pathogenic (PMID: 23453665, 24798461). This variant is present in population databases (no rsID available, gnomAD 0.007%). This variant has not been reported in the literature in individuals affected with C12orf57-related conditions. ClinVar contains an entry for this variant (Variation ID: 2161002). Algorithms developed to predict the effect of sequence changes on RNA splicing suggest that this variant may disrupt the consensus splice site. For these reasons, this variant has been classified as Pathogenic.

Literature cited by the submitters: PubMed 23453665; PubMed 24798461.